The following is an entry in ClinVar:

ClinVar aggregate classification (germline): Uncertain significance (1 of 4 stars; one submission).

Allele frequency attached by ClinVar (database versions not stated): gnomAD exomes 0.00001; TOPMed 0.00001.
gnomAD v4.1: 1 of 1,211,328 alleles (0.000083%); no homozygotes.

Submission:

Labcorp Genetics (formerly Invitae), Labcorp
Classification: Uncertain significance. Last evaluated: 2019-09-21. Review status: criteria provided, single submitter. Criteria: Invitae Variant Classification Sherloc (09022015). Collection method: clinical testing. Allele origin: germline.
Comment: Algorithms developed to predict the effect of missense changes on protein structure and function are either unavailable or do not agree on the potential impact of this missense change (SIFT: "Deleterious"; PolyPhen-2: "Benign"; Align-GVGD: "Class C0"). This variant has not been reported in the literature in individuals with CLCN4-related conditions. This variant is not present in population databases (ExAC no frequency). This sequence change replaces alanine with threonine at codon 441 of the CLCN4 protein (p.Ala441Thr). The alanine residue is moderately conserved and there is a small physicochemical difference between alanine and threonine. In summary, the available evidence is currently insufficient to determine the role of this variant in disease. Therefore, it has been classified as a Variant of Uncertain Significance.

NM_001830.4(CLCN4):c.1321G>A (p.Ala441Thr)

Gene: CLCN4 (chloride voltage-gated channel 4; plus strand). Cytogenetic location: Xp22.2.
Variant type: single nucleotide variant.
Coding change: c.1321G>A on transcript NM_001830.4 (MANE Select); coding-DNA position 1321, G replaced by A.
Protein change: p.Ala441Thr; replaces alanine 441 with threonine.
Molecular consequence: missense variant.
Genome position (GRCh38, 1-based): chrX:10,208,522, G>A. VCF-style: chrX-10208522-G-A. GRCh37 (hg19) VCF-style: chrX-10176562-G-A.
Other names: c.1039G>A, p.Ala347Thr (NM_001256944.2); short protein forms A347T, A441T.
Identifiers: ClinVar variation 953939 (VCV000953939.9), dbSNP rs1280248831, ClinGen allele CA412038574.